The following is an entry in ClinVar:

ClinVar aggregate classification (germline): Pathogenic/Likely pathogenic. Review status: criteria provided, multiple submitters, no conflicts (2 of 4 stars). 4 submissions from 4 submitters: Pathogenic (1); Likely pathogenic (3). Last evaluated 2025-08-18.

Conditions:
Autosomal recessive limb-girdle muscular dystrophy. Identifiers: Orphanet 102015, MedGen C2931907, MONDO:0015152.
DYSF-related disorder. Also called: DYSF-related condition; DYSF-related disorders.
Neuromuscular disease caused by qualitative or quantitative defects of dysferlin. Also called: Qualitative or quantitative defects of dysferlin; Dysferlinopathy. Identifiers: Orphanet 207073, MedGen C2931687, MONDO:0016145.
Miyoshi muscular dystrophy 1 (MMD1). Identifiers: Orphanet 45448, MedGen C4551973, MONDO:0024545, OMIM 254130.

gnomAD v4.1: 6 of 1,613,666 alleles (0.00037%); highest among the groups gnomAD compares: Non-Finnish European, 0.00051%; no homozygotes.

Submissions (4):

Labcorp Genetics (formerly Invitae), Labcorp
Classification: Pathogenic for Neuromuscular disease caused by qualitative or quantitative defects of dysferlin. Last evaluated: 2025-08-18. Review status: criteria provided, single submitter. Criteria: Invitae Variant Classification Sherloc (09022015). Collection method: clinical testing. Allele origin: germline.
Comment: This sequence change creates a premature translational stop signal (p.Glu1067*) in the DYSF gene. It is expected to result in an absent or disrupted protein product. Loss-of-function variants in DYSF are known to be pathogenic (PMID: 17698709, 20301480). This variant is not present in population databases (gnomAD no frequency). This variant has not been reported in the literature in individuals affected with DYSF-related conditions. ClinVar contains an entry for this variant (Variation ID: 983961). For these reasons, this variant has been classified as Pathogenic.

Baylor Genetics
Classification: Likely pathogenic for Miyoshi muscular dystrophy 1. Last evaluated: 2023-12-05. Review status: criteria provided, single submitter. Criteria: ACMG Guidelines, 2015. Collection method: clinical testing. Allele origin: unknown.

Myriad Genetics, Inc.
Classification: Likely pathogenic for Autosomal recessive limb-girdle muscular dystrophy. Last evaluated: 2019-09-23. Review status: criteria provided, single submitter. Criteria: Myriad Autosomal Dominant, Autosomal Recessive and X-Linked Classification Criteria (2023). Collection method: clinical testing. Allele origin: unknown.
Comment: NM_003494.3(DYSF):c.3199G>T(E1067*) is expected to be pathogenic in the context of dysferlinopathy. This variant is predicted to lead to an abnormal or absent protein product due to the creation of a premature termination codon in DYSF, a gene where loss-of-function variants are known to be pathogenic. Please note: this variant was assessed in the context of healthy population screening.

Blueprint Genetics
Classification: Likely pathogenic for DYSF-related disorders. Last evaluated: 2019-09-05. Review status: criteria provided, single submitter. Criteria: ACMG Guidelines, 2015. Collection method: clinical testing. Allele origin: germline. Affected: yes. Observed: 1 variant allele.

Literature cited by the submitters: PubMed 17698709 (cited by Labcorp Genetics (formerly Invitae), Labcorp); PubMed 20301480 (cited by Labcorp Genetics (formerly Invitae), Labcorp).

NM_001130987.2(DYSF):c.3253G>T (p.Glu1085Ter)

Gene: DYSF (dysferlin; plus strand). Cytogenetic location: 2p13.2.
Variant type: single nucleotide variant.
Coding change: c.3253G>T on transcript NM_001130987.2 (MANE Select); coding-DNA position 3253, G replaced by T.
Protein change: p.Glu1085Ter; replaces glutamic acid 1085 with a stop codon.
Molecular consequence: nonsense.
Genome position (GRCh38, 1-based): chr2:71,574,222, G>T. VCF-style: chr2-71574222-G-T. GRCh37 (hg19) VCF-style: chr2-71801352-G-T.
Other names: c.3202G>T, p.Glu1068Ter (NM_001130455.2, NM_001130983.2); c.3157G>T, p.Glu1053Ter (NM_001130976.2, NM_001130977.2); c.3199G>T, p.Glu1067Ter (NM_001130978.2, NM_003494.4); c.3292G>T, p.Glu1098Ter (NM_001130979.2); c.3250G>T, p.Glu1084Ter (NM_001130980.2, NM_001130981.2); c.3295G>T, p.Glu1099Ter (NM_001130982.2); c.3160G>T, p.Glu1054Ter (NM_001130984.2, NM_001130986.2); c.3253G>T, p.Glu1085Ter (NM_001130985.2); short protein forms E1053*, E1054*, E1067*, E1068*, E1084*, E1085*, E1098*, E1099*.
Identifiers: ClinVar variation 983961 (VCV000983961.13), dbSNP rs1252415299, ClinGen allele CA347218012.